The following continues an entry in ClinVar:

NM_000518.4(HBB):c.19G>A (p.Glu7Lys)

ClinVar aggregate classification (germline): Pathogenic/Likely pathogenic. Pathogenic (34); Likely pathogenic (2).

Submissions 23 to 41 of 41:

Dasa
Classification: Pathogenic for Heinz body anemia. Last evaluated: 2022-01-05. Review status: criteria provided, single submitter. Criteria: ACMG Guidelines, 2015. Collection method: clinical testing. Allele origin: germline. Affected: yes. Observed: 1 variant allele.
Comment: The c.19G>A;p.(Glu7Lys) missense variant has been observed in affected individual(s) and ClinVar contains an entry for this variant (Clinvar ID: 15126; PMID: 2030155; 27117572; 26372199; 23297836; 19061217; 30604644; 33091040) - PS4. Well-established in vitro or in vivo functional studies support a damaging effect on the gene or gene product (PMID: 15973412) - PS3_supporting. The variant is present at low allele frequencies population databases (rs33930165– gnomAD 0.03745%; ABraOM 0.002989 frequency) - PM2_supporting. The p.(Glu7Lys) was detected in trans with a pathogenic variant (PMID: 27117572; 26372199; 23297836; 19061217; 30604644; 33091040) - PM3_very strong The variant co-segregated with disease in multiple affected family members (PMID: 4746100; 13908956) - PP1_supporting. In summary, the currently available evidence indicates that the variant is pathogenic.

GeneDx
Classification: Pathogenic. Last evaluated: 2021-11-29. Review status: criteria provided, single submitter. Criteria: GeneDx Variant Classification Process June 2021. Collection method: clinical testing. Allele origin: germline. Affected: yes.
Comment: One of the most prevalent abnormal hemoglobin variants globally, alongside hemoglobin S (Cook et al., 2013; Piel et al., 2013); When inherited along with a second HBB pathogenic variant, compound heterozygosity could also result in other clinically significant hemoglobinopathies such as sickle-hemoglobin C disease and hemoglobin C-beta thalassemia (Piel et al., 2013); HbC allele frequencies above 15% have been described in West African populations, and the estimated carrier frequency for HbC in the African American population is 1/31 (Piel et al., 2013; Tabor et al., 2014); Published functional studies demonstrate the E7K variant reduces the overall hydrophobicity as compared to wild type hemoglobin (Adachi et al., 1987); Also referred to as E6K, due to alternate nomenclature; In silico analysis supports that this missense variant has a deleterious effect on protein structure/function; This variant is associated with the following publications: (PMID: 8294201, 23297836, 2888754, 19429541, 20305663, 21228398, 13208767, 13293203, 2412615, 6061750, 25087612, 22975760, 23591685, 22028795, 27117572, 26372199, 28121068, 30604644, 31589614)

Greenwood Genetic Center Diagnostic Laboratories, Greenwood Genetic Center
Classification: Pathogenic. Last evaluated: 2021-08-16. Review status: criteria provided, single submitter. Criteria: ACMG Guidelines, 2015. Collection method: clinical testing. Allele origin: germline. Affected: yes.
Comment: PS3, PM5, PM1, PM3

Fulgent Genetics
Classification: Pathogenic for Heinz body anemia; Hereditary persistence of fetal hemoglobin; Dominant beta-thalassemia; Hb SS disease; alpha Thalassemia; Malaria, susceptibility to; Beta-thalassemia HBB/LCRB; METHEMOGLOBINEMIA, BETA TYPE; Erythrocytosis, familial, 6. Last evaluated: 2021-06-30. Review status: criteria provided, single submitter. Criteria: ACMG Guidelines, 2015. Collection method: clinical testing. Allele origin: unknown.
Comment: This variant has been detected in individual(s) who were sent for testing of Renasight - kidney gene panel.

New York Genome Center
Classification: Pathogenic for Hb SS disease. Last evaluated: 2021-02-10. Review status: criteria provided, single submitter. Criteria: NYGC Assertion Criteria 2020. Collection method: clinical testing. Allele origin: inherited. Affected: yes. Observed: 1 compound heterozygote. Study: CSER-NYCKidSeq.
Comment: The c.19G>A, p.Glu7Lys variant in the HBB gene has been previously reported as a homozygous or compound heterozygous change in patients with Sickle Cell Disease, Hemoglobin C Variant [PMID: 23297836; PMID: 23591685]. Functional studies have shown that this variant reduces the overall hydrophobicity as compared to wild type hemoglobin [PMID:2888754]. It is present in the heterozygous state in the gnomAD population database at a frequency of 0.12% (349/282566) in the general population and 1.34% (335/24,966) in African populations. This variant is an established disease-associated mutation and has been reported as pathogenic by multiple clinical diagnostic laboratories in ClinVar (variant ID: 15126). Based on the available evidence, the c.19G>A (p.Glu7Lys) variant is classified as Pathogenic.

Myriad Genetics, Inc.
Classification: Pathogenic for Beta-thalassemia HBB/LCRB. Last evaluated: 2019-11-15. Review status: criteria provided, single submitter. Criteria: Myriad Women's Health Autosomal Recessive and X-Linked Classification Criteria (2019). Collection method: clinical testing. Allele origin: unknown.
Comment: NM_000518.4(HBB):c.19G>A(E7K, aka Hb C) is classified as pathogenic in the context of Hb beta chain-related hemoglobinopathy and is associated with the hemoglobin C form of disease. Sources cited for classification include the following: PMID 23297836, 23297836, 19061217 and 2888754. Classification of NM_000518.4(HBB):c.19G>A(E7K, aka Hb C) is based on the following criteria: This is a well-established pathogenic variant in the literature that has been observed more frequently in patients with clinical diagnoses than in healthy populations. Please note: this variant was assessed in the context of healthy population screening.

Mendelics
Classification: Pathogenic for Beta-thalassemia HBB/LCRB. Last evaluated: 2019-05-28. Review status: criteria provided, single submitter. Criteria: Mendelics Assertion Criteria 2017. Collection method: clinical testing. Allele origin: unknown.

Rady Children's Institute for Genomic Medicine, Rady Children's Hospital San Diego
Classification: Pathogenic for SICKLE CELL ANEMIA. Last evaluated: 2019-05-02. Review status: criteria provided, single submitter. Criteria: ACMG Guidelines, 2015. Collection method: clinical testing. Allele origin: germline. Affected: yes.
Comment: This variant has been previously reported as a homozygous or compound heterozygous change in patients with Sickle Cell Disease, Hemoglobin C Variant (PMID: 23297836, 23591685). Functional studies have shown that this variant reduces the overall hydrophobicity as compared to wild type hemoglobin (PMID: 2888754). It is present in the heterozygous state in the gnomAD population database at a frequency of 0.12% (349/282566) in the general population and 1.34% (335/24,966) in African populations. In silico tools used to predict the effect of this variant on protein function yield discordant results. Based on the available evidence, the c.19G>A (p.Glu7Lys) variant is classified as Pathogenic.

Clinical Genetics and Genomics, Karolinska University Hospital
Classification: Pathogenic. Last evaluated: 2018-04-04. Review status: criteria provided, single submitter. Criteria: ACMG Guidelines, 2015. Collection method: clinical testing. Allele origin: germline. Affected: yes. Observed: 3 variant alleles.

Eurofins Ntd Llc (ga)
Classification: Pathogenic. Last evaluated: 2017-06-07. Review status: criteria provided, single submitter. Criteria: EGL Classification Definitions 2015. Collection method: clinical testing. Allele origin: germline. Observed: 5 variant alleles, 5 heterozygotes.

Center for Pediatric Genomic Medicine, Children's Mercy Hospital and Clinics
Classification: Pathogenic. Last evaluated: 2014-09-15. Review status: criteria provided, single submitter. Criteria: ACMG Guidelines, 2015. Collection method: clinical testing. Allele origin: germline.

Baylor Genetics
Classification: Pathogenic for Hb SS disease. Review status: criteria provided, single submitter. Criteria: ACMG Guidelines, 2015. Collection method: clinical testing. Allele origin: germline.

Juno Genomics, Hangzhou Juno Genomics, Inc
Classification: Pathogenic for Beta-thalassemia HBB/LCRB. Review status: criteria provided, single submitter. Criteria: ACMG Guidelines, 2015. Collection method: clinical testing. Allele origin: germline.
Comment: Novel missense change at an amino acid residue where a different missense change determined to be pathogenic has been seen before.;Well-established in vitro or in vivo functional studies supportive of a damaging effect on the gene or gene product.;For recessive disorders, detected in trans with a pathogenic variant.

Rady Children's Institute for Genomic Medicine, Rady Children's Hospital San Diego
Classification: Pathogenic for HBB-related disorders. Review status: criteria provided, single submitter. Criteria: ACMG Guidelines, 2015. Collection method: clinical testing. Allele origin: germline. Affected: yes.
Comment: The c.19G>A (p.Glu7Lys, also known as p.Glu6Lys) variant in HBB is referred to as the hemoglobin C allele (HbC), and causes autosomal recessive hemoglobin C disease when it is homozygous or sickle-hemoglobin C disease when it is compound heterozygous with a hemoglobin S allele (PMID: 20301551, 26372199, 23297836, 27117572). Experimental studies showed that this variant affected the kinetic properties of the hemoglobin protein (PMID: 2888754). It is present in the heterozygous state in the gnomAD population database at a frequency of 0.1% (349/282566). Based on the available evidence, the c.19G>A (p.Glu7Lys) variant is classified as Pathogenic.

Reproductive Health Research and Development, BGI Genomics
Classification: Pathogenic for Beta-thalassemia. Last evaluated: 2020-01-06. Review status: no assertion criteria provided. Collection method: curation. Allele origin: germline. Not counted in ClinVar's aggregate classification.
Comment: NM_000518.4:c.19G>A is also known as p.Glu6Lys or HbC in the literature. NM_000518.4:c.19G>A in the HBB gene has an allele frequency of 0.013 in African subpopulation in the gnomAD database. Boucher et al. reported Mild Microcytic Anemia in an Infant with a compound heterozygosity for Hb C (HBB: c.19G > A) and Hb Osu Christiansborg (HBB:c.157G > A) (PMID: 27117572). In addition, this variant was reported as the most common emoglobin (Hb) abnormality identified in the United States (PMID: 23297836). Experimental studies have shown that this variant affects the kinetic properties of the hemoglobin protein (PMID: 2888754). Taken together, we interprete this variant as Pathogenic/Likely pathogenic. ACMG/AMP Criteria applied: PS4; PS3; PM3; PP4.

OMIM
Classification: Pathogenic for HEMOGLOBIN C. Last evaluated: 2011-12-02. Review status: no assertion criteria provided. Collection method: literature only. Allele origin: germline. Not counted in ClinVar's aggregate classification.

OMIM
Classification: protective for MALARIA, RESISTANCE TO. Last evaluated: 2011-12-02. Review status: no assertion criteria provided. Collection method: literature only. Allele origin: germline. Not counted in ClinVar's aggregate classification.

GeneReviews
No classification provided. Condition: Hb SS disease. Review status: no classification provided. Collection method: literature only. Allele origin: germline. Not counted in ClinVar's aggregate classification.

Genomics And Bioinformatics Analysis Resource, Columbia University
Classification: Pathogenic for Beta-thalassemia HBB/LCRB. Review status: no assertion criteria provided. Collection method: research. Allele origin: unknown. Affected: yes. Not counted in ClinVar's aggregate classification.
Comment: Compound Heterozygous

Literature cited by the submitters: PubMed 20301551 (cited by 3 submitters); PubMed 23297836 (cited by 7 submitters); PubMed 26372199 (cited by 4 submitters); PubMed 27117572 (cited by 4 submitters); PubMed 2888754 (cited by 7 submitters); PubMed 30604644 (cited by Natera, Inc. and Dasa); PubMed 27427187 (cited by Natera, Inc.); PubMed 26016899 (cited by Natera, Inc.); PubMed 23651435 (cited by Natera, Inc.); PubMed 20301599 (cited by Rady Children's Institute for Genomic Medicine, Rady Children's Hospital San Diego); PubMed 23591685 (cited by 3 submitters); PubMed 26287797 (cited by Illumina Laboratory Services, Illumina); PubMed 26275168 (cited by Illumina Laboratory Services, Illumina); PubMed 27756326 (cited by Illumina Laboratory Services, Illumina); PubMed 28589738 (cited by Illumina Laboratory Services, Illumina); PubMed 36106931 (cited by Illumina Laboratory Services, Illumina); PubMed 8294201 (cited by 3billion); PubMed 19460936 (cited by 3billion); PubMed 6061750 (cited by Laboratory for Molecular Medicine, Mass General Brigham Personalized Medicine); PubMed 12818227 (cited by Ambry Genetics); PubMed 22471768 (cited by Ambry Genetics); PubMed 22494447 (cited by Ambry Genetics); PubMed 25488433 (cited by Mayo Clinic Laboratories, Mayo Clinic); PubMed 2030155 (cited by Dasa); PubMed 19061217 (cited by Dasa and Myriad Genetics, Inc.); PubMed 33091040 (cited by Dasa); PubMed 15973412 (cited by Dasa and OMIM); PubMed 20236848 (cited by Dasa); PubMed 26661037 (cited by Dasa); PubMed 28251416 (cited by Dasa); PubMed 14808148 (cited by OMIM); PubMed 17774955 (cited by OMIM); PubMed 13108995 (cited by OMIM); PubMed 14405428 (cited by OMIM); PubMed 13618691 (cited by OMIM); PubMed 13685866 (cited by OMIM); PubMed 14492555 (cited by OMIM); PubMed 7229029 (cited by OMIM); PubMed 9556665 (cited by OMIM); PubMed 1680789 (cited by OMIM); PubMed 2239966 (cited by OMIM); PubMed 11001883 (cited by OMIM); PubMed 7137165 (cited by OMIM); PubMed 2412200 (cited by OMIM); PubMed 8201467 (cited by OMIM); PubMed 11713529 (cited by OMIM); PubMed 14613965 (cited by OMIM); PubMed 16175509 (cited by OMIM); PubMed 13115700 (cited by OMIM); PubMed 15000665 (cited by OMIM); PubMed 18048408 (cited by OMIM); PubMed 20305663 (cited by OMIM); PubMed 22075726 (cited by OMIM); NCBI Bookshelf NBK1377 (cited by GeneReviews).